The following is an entry in ClinVar:

NM_000525.4(KCNJ11):c.245G>A (p.Ser82Asn)

Gene: KCNJ11 (potassium inwardly rectifying channel subfamily J member 11; minus strand). Cytogenetic location: 11p15.1.
Variant type: single nucleotide variant.
Coding change: c.245G>A on transcript NM_000525.4 (MANE Select); coding-DNA position 245, G replaced by A.
Protein change: p.Ser82Asn; replaces serine 82 with asparagine.
Molecular consequence: missense variant. On other transcripts: splice acceptor variant (3).
Genome position (GRCh38, 1-based): chr11:17,387,847, C>T on the plus strand (G>A on the coding strand, the complement: KCNJ11 is on the minus strand). VCF-style: chr11-17387847-C-T. GRCh37 (hg19) VCF-style: chr11-17409394-C-T.
Other names: c.-16-1G>A (NM_001166290.2, NM_001377297.1, NM_001377296.1); short protein forms S82N.
Identifiers: ClinVar variation 586103 (VCV000586103.2), dbSNP rs1564865688, ClinGen allele CA379775148.
Genomic context (GRCh38, chr11:17,387,847, plus strand): 5'-GGGGCCAGGTCACCGTGGGCGAAGGCGATGAGCCACCAGGCCATGGCGAAGAGCAGCCAG[C>T]TGCACAGGAAGGACATGGTGAAGATGAGCAATGTGTGTGGCCACTTGAGGTCCACCAGCG-3'
Protein context (NP_000516.3, residues 72-92): LLIFTMSFLC[Ser82Asn]WLLFAMAWWL

ClinVar aggregate classification (germline): Uncertain significance. Review status: criteria provided, multiple submitters, no conflicts (2 of 4 stars). 2 submissions from 2 submitters: Uncertain significance (2). Last evaluated 2017-09-20.

Conditions:
Maturity-onset diabetes of the young (MODY). Also called: Maturity onset diabetes mellitus in young. Identifiers: Orphanet 552, MedGen C0342276, MONDO:0018911, HP:0004904.

Submissions (2):

Athena Diagnostics
Classification: Uncertain significance. Last evaluated: 2017-09-20. Review status: criteria provided, single submitter. Criteria: Athena Diagnostics Criteria. Collection method: clinical testing. Allele origin: germline.

Clinical Genomics, Uppaluri K&H Personalized Medicine Clinic
Classification: Uncertain significance for Maturity-onset diabetes of the young. Review status: criteria provided, single submitter. Criteria: K & H Uppaluri Personalized Medicine Clinic Variant Classification & Assertion Criteria_Updated V.1. Collection method: research. Allele origin: somatic. Inheritance: Autosomal dominant inheritance.
Comment: Mutations in KCNJ11 gene can cause decreased production and secretion of insulin. This can lead to MODY which may be responsive to oral sulfonylureas. It is also associated with Neonatal Diabetes. However, no sufficient evidence is found to ascertain the role of this particular variant (rs1564865688 ) in MODY yet.

Literature cited by the submitters: PubMed 26448950 (cited by Clinical Genomics, Uppaluri K&H Personalized Medicine Clinic); PubMed 15580558 (cited by Clinical Genomics, Uppaluri K&H Personalized Medicine Clinic); PubMed 15718250 (cited by Clinical Genomics, Uppaluri K&H Personalized Medicine Clinic); PubMed 32935446 (cited by Clinical Genomics, Uppaluri K&H Personalized Medicine Clinic); PubMed 22701567 (cited by Clinical Genomics, Uppaluri K&H Personalized Medicine Clinic).